The following is an entry in ClinVar:

ClinVar aggregate classification (germline): Benign. Review status: criteria provided, single submitter (1 of 4 stars). 2 submissions from 2 submitters: Benign (1). 1 of the submissions does not count toward it. Last evaluated 2018-06-12.

Conditions:
ACACB-related disorder. Also called: ACACB-related condition.

Allele frequency attached by ClinVar (database versions not stated): gnomAD exomes 0.00032 and 0.00084; ExAC 0.00102; gnomAD 0.00311 and 0.00332; ESP Exome Variant Server 0.00346; TOPMed 0.00359; 1000 Genomes Project 0.00539; 1000 Genomes Project 30x 0.00562.
gnomAD v4.1: 947 of 1,614,064 alleles (0.059%); highest among the groups gnomAD compares: African/African-American, 1.1%; 6 homozygotes.

Submissions (2):

Labcorp Genetics (formerly Invitae), Labcorp
Classification: Benign. Last evaluated: 2018-06-12. Review status: criteria provided, single submitter. Criteria: Invitae Variant Classification Sherloc (09022015). Collection method: clinical testing. Allele origin: germline.

PreventionGenetics, part of Exact Sciences
Classification: Benign for ACACB-related condition. Last evaluated: 2019-03-07. Review status: no assertion criteria provided. Collection method: clinical testing. Allele origin: germline. Not counted in ClinVar's aggregate classification.
Comment: This variant is classified as benign based on ACMG/AMP sequence variant interpretation guidelines (Richards et al. 2015 PMID: 25741868, with internal and published modifications).

NM_001093.4(ACACB):c.6917G>A (p.Arg2306Gln)

Genes: ACACB (acetyl-CoA carboxylase beta; plus strand), LOC130008714 (ATAC-STARR-seq lymphoblastoid active region 6984; plus strand). Cytogenetic location: 12q24.11.
Variant type: single nucleotide variant.
Coding change: c.6917G>A on transcript NM_001093.4 (MANE Select); coding-DNA position 6917, G replaced by A.
Protein change: p.Arg2306Gln; replaces arginine 2306 with glutamine.
Molecular consequence: missense variant.
Genome position (GRCh38, 1-based): chr12:109,264,361, G>A. VCF-style: chr12-109264361-G-A. GRCh37 (hg19) VCF-style: chr12-109702166-G-A.
Other names: short protein forms R2306Q.
Identifiers: ClinVar variation 782566 (VCV000782566.5), dbSNP rs149917930, ClinGen allele CA6775271.